The following is an entry in ClinVar:

NM_004991.4(MECOM):c.2471T>C (p.Phe824Ser)

Gene: MECOM (MDS1 and EVI1 complex locus; minus strand). Cytogenetic location: 3q26.2.
Variant type: single nucleotide variant.
Coding change: c.2471T>C on transcript NM_004991.4 (MANE Select); coding-DNA position 2471, T replaced by C.
Protein change: p.Phe824Ser; replaces phenylalanine 824 with serine.
Molecular consequence: missense variant.
Genome position (GRCh38, 1-based): chr3:169,115,401, A>G on the plus strand (T>C on the coding strand, the complement: MECOM is on the minus strand). VCF-style: chr3-169115401-A-G. GRCh37 (hg19) VCF-style: chr3-168833189-A-G.
Other names: c.2471T>C (NM_004991.3); c.2471T>C, p.Phe824Ser (NM_001366466.2); c.1910T>C, p.Phe637Ser (NM_001366467.2, NM_001366468.2, NM_001366470.2 and 1 more transcripts); c.1907T>C, p.Phe636Ser (NM_001366469.2, NM_001366471.2, NM_001366472.2 and 4 more transcripts); c.1499T>C, p.Phe500Ser (NM_001366473.2); c.935T>C, p.Phe312Ser (NM_001366474.2); c.2102T>C, p.Phe701Ser (NM_001105077.4); short protein forms F824S, F500S, F636S, F312S, F637S, F701S.
Identifiers: ClinVar variation 2884985 (VCV002884985.4), dbSNP rs768611335, ClinGen allele CA2696164.

ClinVar aggregate classification (germline): Uncertain significance. Review status: criteria provided, multiple submitters, no conflicts (2 of 4 stars). 2 submissions from 2 submitters: Uncertain significance (2). Last evaluated 2025-09-15.

Conditions:
Inborn genetic diseases. Identifiers: MedGen C0950123, MeSH D030342.

Allele frequency attached by ClinVar (database versions not stated): ExAC 0.00001.
gnomAD v4.1: 5 of 1,613,870 alleles (0.00031%); highest among the groups gnomAD compares: Admixed American, 0.0083%; no homozygotes.

Submissions (2):

Labcorp Genetics (formerly Invitae), Labcorp
Classification: Uncertain significance. Last evaluated: 2025-09-15. Review status: criteria provided, single submitter. Criteria: Invitae Variant Classification Sherloc (09022015). Collection method: clinical testing. Allele origin: germline.
Comment: This sequence change replaces phenylalanine, which is neutral and non-polar, with serine, which is neutral and polar, at codon 636 of the MECOM protein (p.Phe636Ser). This variant is present in population databases (rs768611335, gnomAD 0.009%). This variant has not been reported in the literature in individuals affected with MECOM-related conditions. ClinVar contains an entry for this variant (Variation ID: 2884985). An algorithm developed to predict the effect of missense changes on protein structure and function (PolyPhen-2) suggests that this variant is likely to be disruptive. In summary, the available evidence is currently insufficient to determine the role of this variant in disease. Therefore, it has been classified as a Variant of Uncertain Significance.

Ambry Genetics
Classification: Uncertain significance for Inborn genetic diseases. Last evaluated: 2024-11-24. Review status: criteria provided, single submitter. Criteria: Ambry Variant Classification Scheme 2023. Collection method: clinical testing. Allele origin: germline.
Comment: The p.F824S variant (also known as c.2471T>C), located in coding exon 8 of the MECOM gene, results from a T to C substitution at nucleotide position 2471. The phenylalanine at codon 824 is replaced by serine, an amino acid with highly dissimilar properties. This amino acid position is conserved. In addition, this alteration is predicted to be deleterious by in silico analysis. Based on the available evidence, the clinical significance of this variant remains unclear.